The following is an entry in ClinVar:

ClinVar aggregate classification (germline): Uncertain significance (1 of 4 stars; one submission).

Conditions:
EAST syndrome (SESAMES). Also called: SEIZURES, SENSORINEURAL DEAFNESS, ATAXIA, IMPAIRED INTELLECTUAL DEVELOPMENT, AND ELECTROLYTE IMBALANCE. Identifiers: Orphanet 199343, MedGen C2748572, MONDO:0013005, OMIM 612780.

gnomAD v4.1: 1 of 1,613,576 alleles (0.000062%); highest among the groups gnomAD compares: Non-Finnish European, 0.000085%; no homozygotes.

Submission:

Labcorp Genetics (formerly Invitae), Labcorp
Classification: Uncertain significance for EAST syndrome. Last evaluated: 2024-07-06. Review status: criteria provided, single submitter. Criteria: Invitae Variant Classification Sherloc (09022015). Collection method: clinical testing. Allele origin: germline.
Comment: This sequence change replaces serine, which is neutral and polar, with glycine, which is neutral and non-polar, at codon 370 of the KCNJ10 protein (p.Ser370Gly). This variant is not present in population databases (gnomAD no frequency). This variant has not been reported in the literature in individuals affected with KCNJ10-related conditions. Algorithms developed to predict the effect of missense changes on protein structure and function output the following: SIFT: "Not Available"; PolyPhen-2: "Benign"; Align-GVGD: "Not Available". The glycine amino acid residue is found in multiple mammalian species, which suggests that this missense change does not adversely affect protein function. In summary, the available evidence is currently insufficient to determine the role of this variant in disease. Therefore, it has been classified as a Variant of Uncertain Significance.

NM_002241.5(KCNJ10):c.1108A>G (p.Ser370Gly)

Gene: KCNJ10 (potassium inwardly rectifying channel subfamily J member 10; minus strand). Cytogenetic location: 1q23.2.
Variant type: single nucleotide variant.
Coding change: c.1108A>G on transcript NM_002241.5 (MANE Select); coding-DNA position 1108, A replaced by G.
Protein change: p.Ser370Gly; replaces serine 370 with glycine.
Molecular consequence: missense variant.
Genome position (GRCh38, 1-based): chr1:160,041,425, T>C on the plus strand (A>G on the coding strand, the complement: KCNJ10 is on the minus strand). VCF-style: chr1-160041425-T-C. GRCh37 (hg19) VCF-style: chr1-160011215-T-C.
Other names: short protein forms S370G.
Identifiers: ClinVar variation 3670615 (VCV003670615.2).